The following is an entry in ClinVar:

ClinVar aggregate classification (germline): Conflicting classifications of pathogenicity. Review status: criteria provided, conflicting classifications (1 of 4 stars). 2 submissions from 2 submitters: Uncertain significance (1); Likely benign (1). Last evaluated 2026-01-12.

Conditions:
Epileptic encephalopathy. Identifiers: MedGen C0543888, HP:0200134.

Allele frequency attached by ClinVar (database versions not stated): gnomAD 0.00009 and 0.00011; gnomAD exomes 0.00009 and 0.00014; ExAC 0.00011; TOPMed 0.00014; 1000 Genomes Project 30x 0.00016.
gnomAD v4.1: 153 of 1,610,834 alleles (0.0095%); highest among the groups gnomAD compares: Admixed American, 0.01%; no homozygotes.

Submissions (2):

Labcorp Genetics (formerly Invitae), Labcorp
Classification: Uncertain significance for Epileptic encephalopathy. Last evaluated: 2026-01-12. Review status: criteria provided, single submitter. Criteria: Invitae Variant Classification Sherloc (09022015). Collection method: clinical testing. Allele origin: germline.
Comment: This sequence change replaces arginine, which is basic and polar, with glutamine, which is neutral and polar, at codon 443 of the FASN protein (p.Arg443Gln). This variant is present in population databases (rs199956437, gnomAD 0.02%). This variant has not been reported in the literature in individuals affected with FASN-related conditions. ClinVar contains an entry for this variant (Variation ID: 945753). An algorithm developed to predict the effect of missense changes on protein structure and function outputs the following: PolyPhen-2: "Benign". The glutamine amino acid residue is found in multiple mammalian species, which suggests that this missense change does not adversely affect protein function. In summary, the available evidence is currently insufficient to determine the role of this variant in disease. Therefore, it has been classified as a Variant of Uncertain Significance.

CeGaT Center for Human Genetics Tuebingen
Classification: Likely benign. Last evaluated: 2022-06-01. Review status: criteria provided, single submitter. Criteria: CeGaT Center For Human Genetics Tuebingen Variant Classification Criteria Version 2. Collection method: clinical testing. Allele origin: germline. Affected: yes. Observed: 1 variant allele.
Comment: FASN: BP4

NM_004104.5(FASN):c.1328G>A (p.Arg443Gln)

Gene: FASN (fatty acid synthase; minus strand). Cytogenetic location: 17q25.3.
Variant type: single nucleotide variant.
Coding change: c.1328G>A on transcript NM_004104.5 (MANE Select); coding-DNA position 1328, G replaced by A.
Protein change: p.Arg443Gln; replaces arginine 443 with glutamine.
Molecular consequence: missense variant.
Genome position (GRCh38, 1-based): chr17:82,091,386, C>T on the plus strand (G>A on the coding strand, the complement: FASN is on the minus strand). VCF-style: chr17-82091386-C-T. GRCh37 (hg19) VCF-style: chr17-80049262-C-T.
Other names: short protein forms R443Q.
Identifiers: ClinVar variation 945753 (VCV000945753.31), dbSNP rs199956437, ClinGen allele CA8853194.